The following continues an entry in ClinVar:

NM_001379610.1(SPINK1):c.194G>A (p.Arg65Gln)

Gene: SPINK1. ClinVar aggregate classification (germline): Uncertain significance. Uncertain significance (9).

Submissions 9 to 13 of 13:

Illumina Laboratory Services, Illumina
Classification: Uncertain significance for Hereditary pancreatitis. Last evaluated: 2017-04-27. Review status: criteria provided, single submitter. Criteria: ICSL Variant Classification Criteria 13 December 2019. Collection method: clinical testing. Allele origin: germline.
Comment: This variant was observed as part of a predisposition screen in an ostensibly healthy population. A literature search was performed for the gene, cDNA change, and amino acid change (where applicable). Publications were found based on this search. However, the evidence from the literature, in combination with allele frequency data from public databases where available, was not sufficient to rule this variant in or out of causing disease. Therefore, this variant is classified as a variant of unknown significance.

Diagnostic Laboratory, Department of Genetics, University Medical Center Groningen
Classification: Likely pathogenic. Review status: no assertion criteria provided. Collection method: clinical testing. Allele origin: germline. Affected: yes. Study: VKGL Data-share Consensus. Not counted in ClinVar's aggregate classification.

Dr. Peter K. Rogan Lab, Western University
No classification provided (evidence only). Condition: Lung cancer. Review status: no classification provided. Collection method: in vitro. Allele origin: not applicable. Functional consequence: retained intron. Not counted in ClinVar's aggregate classification.

Dr. Peter K. Rogan Lab, Western University
No classification provided (evidence only). Condition: Familial cancer of breast. Review status: no classification provided. Collection method: in vitro. Allele origin: not applicable. Functional consequence: retained intron. Not counted in ClinVar's aggregate classification.

Joint Genome Diagnostic Labs from Nijmegen and Maastricht, Radboudumc and MUMC+
Classification: Likely pathogenic. Review status: no assertion criteria provided. Collection method: clinical testing. Allele origin: germline. Affected: yes. Study: VKGL Data-share Consensus. Not counted in ClinVar's aggregate classification.

Literature cited by the submitters: PubMed 11368029 (cited by 4 submitters); PubMed 17003641 (cited by Labcorp Genetics (formerly Invitae), Labcorp and Women's Health and Genetics/Laboratory Corporation of America, LabCorp); PubMed 22427236 (cited by 3 submitters); PubMed 23951356 (cited by 3 submitters); PubMed 17525091 (cited by 4 submitters); PubMed 17568390 (cited by 4 submitters); PubMed 24052272 (cited by 4 submitters); PubMed 28320769 (cited by 3 submitters); PubMed 15980664 (cited by Women's Health and Genetics/Laboratory Corporation of America, LabCorp); PubMed 15800694 (cited by Women's Health and Genetics/Laboratory Corporation of America, LabCorp); PubMed 12658397 (cited by Women's Health and Genetics/Laboratory Corporation of America, LabCorp); PubMed 12743777 (cited by Women's Health and Genetics/Laboratory Corporation of America, LabCorp); PubMed 18206817 (cited by Women's Health and Genetics/Laboratory Corporation of America, LabCorp); PubMed 12651880 (cited by Women's Health and Genetics/Laboratory Corporation of America, LabCorp); PubMed 18206809 (cited by Women's Health and Genetics/Laboratory Corporation of America, LabCorp); PubMed 17048046 (cited by Women's Health and Genetics/Laboratory Corporation of America, LabCorp); PubMed 22526274 (cited by Women's Health and Genetics/Laboratory Corporation of America, LabCorp); PubMed 22343981 (cited by Women's Health and Genetics/Laboratory Corporation of America, LabCorp); PubMed 22228370 (cited by Women's Health and Genetics/Laboratory Corporation of America, LabCorp); PubMed 22577471 (cited by Women's Health and Genetics/Laboratory Corporation of America, LabCorp); PubMed 24795752 (cited by Women's Health and Genetics/Laboratory Corporation of America, LabCorp); PubMed 28994706 (cited by Women's Health and Genetics/Laboratory Corporation of America, LabCorp); PubMed 30420730 (cited by Women's Health and Genetics/Laboratory Corporation of America, LabCorp and Ambry Genetics); PubMed 31628023 (cited by Women's Health and Genetics/Laboratory Corporation of America, LabCorp); PubMed 33515547 (cited by Women's Health and Genetics/Laboratory Corporation of America, LabCorp); PubMed 33534223 (cited by Women's Health and Genetics/Laboratory Corporation of America, LabCorp); PubMed 40845847 (cited by Women's Health and Genetics/Laboratory Corporation of America, LabCorp).